The following is an entry in ClinVar:

NM_017866.6(TMEM70):c.690A>G (p.Glu230=)

Gene: TMEM70 (transmembrane protein 70; plus strand). Cytogenetic location: 8q21.11.
Variant type: single nucleotide variant.
Coding change: c.690A>G on transcript NM_017866.6 (MANE Select); coding-DNA position 690, A replaced by G.
Protein change: p.Glu230=; no amino-acid change (glutamic acid 230 retained).
Molecular consequence: synonymous variant. On other transcripts: 3 prime UTR variant (1), non-coding transcript variant (1).
Genome position (GRCh38, 1-based): chr8:73,981,528, A>G. VCF-style: chr8-73981528-A-G. GRCh37 (hg19) VCF-style: chr8-74893763-A-G.
Other names: c.*380A>G (NM_001040613.3).
Identifiers: ClinVar variation 388158 (VCV000388158.2), dbSNP rs775263377, ClinGen allele CA16605501.

ClinVar aggregate classification (germline): Likely benign. Review status: criteria provided, multiple submitters, no conflicts (2 of 4 stars). 2 submissions from 2 submitters: Likely benign (2). Last evaluated 2025-05-29.

Conditions:
Mitochondrial complex V (ATP synthase) deficiency, nuclear type 2. Also called: MITOCHONDRIAL COMPLEX V (ATP SYNTHASE) DEFICIENCY, TMEM70 TYPE; ENCEPHALOCARDIOMYOPATHY, MITOCHONDRIAL, NEONATAL, DUE TO ATP SYNTHASE DEFICIENCY; Nuclear-Encoded ATPase Deficiency, TMEM70-Related. Identifiers: Orphanet 1194, MedGen C3279699, MONDO:0013546, OMIM 614052.

Submissions (2):

Labcorp Genetics (formerly Invitae), Labcorp
Classification: Likely benign for Mitochondrial complex V (ATP synthase) deficiency, nuclear type 2. Last evaluated: 2025-05-29. Review status: criteria provided, single submitter. Criteria: Invitae Variant Classification Sherloc (09022015). Collection method: clinical testing. Allele origin: germline.

GeneDx
Classification: Likely benign. Last evaluated: 2016-08-03. Review status: criteria provided, single submitter. Criteria: GeneDx Variant Classification (06012015). Collection method: clinical testing. Allele origin: germline. Affected: yes.
Comment: This variant is considered likely benign or benign based on one or more of the following criteria: it is a conservative change, it occurs at a poorly conserved position in the protein, it is predicted to be benign by multiple in silico algorithms, and/or has population frequency not consistent with disease.